The following is an entry in ClinVar:

ClinVar aggregate classification (germline): Likely benign. Review status: criteria provided, multiple submitters, no conflicts (2 of 4 stars). 2 submissions from 2 submitters: Likely benign (2). Last evaluated 2026-02-04.

Conditions:
Hereditary hemorrhagic telangiectasia (HHT). Also called: ORW DISEASE; Osler Weber Rendu syndrome; OSLER-RENDU-WEBER DISEASE; Osler hemorrhagic telangiectasia syndrome. Identifiers: Orphanet 774, MedGen C0039445, MONDO:0019180. Disease mechanism: loss of function.

Allele frequency attached by ClinVar (database versions not stated): ExAC 0.00002; gnomAD 0.00004 and 0.00005; gnomAD exomes 0.00001 and below 0.00001; TOPMed 0.00005; 1000 Genomes Project 30x 0.00016; 1000 Genomes Project 0.00020.
gnomAD v4.1: 12 of 1,614,016 alleles (0.00074%); highest among the groups gnomAD compares: African/African-American, 0.016%; no homozygotes.

Submissions (2):

Women's Health and Genetics/Laboratory Corporation of America, LabCorp
Classification: Likely benign. Last evaluated: 2026-02-04. Review status: criteria provided, single submitter. Criteria: LabCorp Variant Classification Summary - May 2015. Collection method: clinical testing. Allele origin: germline.
Comment: Variant summary: ENG c.413T>C (p.Leu138Pro) results in a non-conservative amino acid change in the encoded protein sequence. Algorithms developed to predict the effect of missense changes on protein structure and function are either unavailable or do not agree on the potential impact of this missense change. The variant allele was found at a frequency of 7.4e-06 in 1614016 control chromosomes, predominantly at a frequency of 0.00016 within the African or African-American subpopulation in the gnomAD database. The observed variant frequency within African or African-American control individuals in the gnomAD database exceeds the estimated maximal expected allele frequency for disease-causing variants in ENG. To our knowledge, no occurrence of c.413T>C in individuals affected with ENG-related conditions and no experimental evidence demonstrating its impact on protein function have been reported. ClinVar contains an entry for this variant (Variation ID: 856079). Based on the evidence outlined above, the variant was classified as likely benign.

Labcorp Genetics (formerly Invitae), Labcorp
Classification: Likely benign for Hereditary hemorrhagic telangiectasia. Last evaluated: 2022-12-15. Review status: criteria provided, single submitter. Criteria: Invitae Variant Classification Sherloc (09022015). Collection method: clinical testing. Allele origin: germline.

NM_001114753.3(ENG):c.413T>C (p.Leu138Pro)

Gene: ENG (endoglin; minus strand). Cytogenetic location: 9q34.11.
Variant type: single nucleotide variant.
Coding change: c.413T>C on transcript NM_001114753.3 (MANE Select); coding-DNA position 413, T replaced by C.
Protein change: p.Leu138Pro; replaces leucine 138 with proline.
Molecular consequence: missense variant. On other transcripts: 5 prime UTR variant (1).
Genome position (GRCh38, 1-based): chr9:127,826,620, A>G on the plus strand (T>C on the coding strand, the complement: ENG is on the minus strand). VCF-style: chr9-127826620-A-G. GRCh37 (hg19) VCF-style: chr9-130588899-A-G.
Other names: c.413T>C, p.Leu138Pro (NM_000118.4, NM_001406715.1); c.-134T>C (NM_001278138.2); short protein forms L138P.
Identifiers: ClinVar variation 856079 (VCV000856079.12), dbSNP rs546637270, ClinGen allele CA5253123.
Genomic context (GRCh38, chr9:127,826,620, plus strand): 5'-GAGGTGATGGGGCCCCTCTCAGCTGCCCACTCAAGGATCTGGGTCTTGGGGAAGGATGGC[A>G]GCTCTGTGGTGTTGACCCCCGGGGGCTCTTGGAAGGTGACCAGGCTGGAATTCTGGGGAG-3'
Protein context (NP_001108225.1, residues 128-148): QEPPGVNTTE[Leu138Pro]PSFPKTQILE